The following is an entry in ClinVar:

ClinVar aggregate classification (germline): Uncertain significance (1 of 4 stars; one submission).

Conditions:
Myopia 21, autosomal dominant (MYP21). Identifiers: MedGen C3279997, MONDO:0013604, OMIM 614167.

Allele frequency attached by ClinVar (database versions not stated): ExAC 0.00001; gnomAD exomes 0.00001; gnomAD 0.00001.
gnomAD v4.1: 11 of 1,613,606 alleles (0.00068%); highest among the groups gnomAD compares: Non-Finnish European, 0.00025%; no homozygotes.

Submission:

Centre for Mendelian Genomics, University Medical Centre Ljubljana
Classification: Uncertain significance for Myopia 21, autosomal dominant. Last evaluated: 2020-01-07. Review status: criteria provided, single submitter. Criteria: ACMG Guidelines, 2015. Collection method: clinical testing. Allele origin: unknown. Affected: yes.
Comment: This variant was classified as: Uncertain significance. The available evidence on this variant's pathogenicity is insufficient or conflicting. The following ACMG criteria were applied in classifying this variant: PM2.

NM_201269.3(ZNF644):c.3683A>G (p.His1228Arg)

Gene: ZNF644 (zinc finger protein 644; minus strand). Cytogenetic location: 1p22.2.
Variant type: single nucleotide variant.
Coding change: c.3683A>G on transcript NM_201269.3 (MANE Select); coding-DNA position 3683, A replaced by G.
Protein change: p.His1228Arg; replaces histidine 1228 with arginine.
Molecular consequence: missense variant. On other transcripts: intron variant (2).
Genome position (GRCh38, 1-based): chr1:90,937,490, T>C on the plus strand (A>G on the coding strand, the complement: ZNF644 is on the minus strand). VCF-style: chr1-90937490-T-C. GRCh37 (hg19) VCF-style: chr1-91403047-T-C.
Other names: c.23-19336A>G (NM_032186.5, NM_016620.4); short protein forms H1228R.
Identifiers: ClinVar variation 931639 (VCV000931639.3), dbSNP rs759595796, ClinGen allele CA944774.
Genomic context (GRCh38, chr1:90,937,490, plus strand): 5'-GCATAATTGAACTGCATTTAAACTGTGTATAGCATAGTCATAAACGTCCTCTTACCTGAG[T>C]GCATAGTCAAGTCCATTTTTTGTGGCTGATACATCAACGGACTATCCTCATTTAATGGAA-3'
Protein context (NP_958357.1, residues 1218-1238): YQPQKMDLTM[His1228Arg]SALDCKQKKS